The following is an entry in ClinVar:

ClinVar aggregate classification (germline): Benign. Review status: criteria provided, multiple submitters, no conflicts (2 of 4 stars). 13 submissions from 13 submitters: Benign (8). 5 of the submissions do not count toward it. Last evaluated 2026-02-04.

Conditions:
GALC-related disorder. Also called: GALC-related condition.
Galactosylceramide beta-galactosidase deficiency. Also called: GLOBOID CELL LEUKOENCEPHALOPATHY; Leukodystrophy, Globoid Cell; Krabbe Disease; GALACTOCEREBROSIDASE DEFICIENCY; GALC DEFICIENCY. Identifiers: Orphanet 487, MedGen C0023521, MONDO:0009499, OMIM 245200.

Allele frequency attached by ClinVar (database versions not stated): 1000 Genomes Project 30x 0.08104; gnomAD 0.11180 and 0.11296; 1000 Genomes Project 0.07887; ESP Exome Variant Server 0.09093; TOPMed 0.10554; gnomAD exomes 0.11511; ExAC 0.16608.
gnomAD v4.1: 220,959 of 1,586,544 alleles (14%); highest among the groups gnomAD compares: Middle Eastern, 16%; 16,679 homozygotes.

Submissions (13):

Labcorp Genetics (formerly Invitae), Labcorp
Classification: Benign for Galactosylceramide beta-galactosidase deficiency. Last evaluated: 2026-02-04. Review status: criteria provided, single submitter. Criteria: Invitae Variant Classification Sherloc (09022015). Collection method: clinical testing. Allele origin: germline.

Blueprint Genetics
Classification: Benign. Last evaluated: 2024-11-27. Review status: criteria provided, single submitter. Criteria: ACMG Guidelines, 2015. Collection method: clinical testing. Allele origin: germline.

PreventionGenetics, part of Exact Sciences
Classification: Benign for GALC-related condition. Last evaluated: 2024-11-12. Review status: criteria provided, single submitter. Criteria: ACMG Guidelines, 2015. Collection method: clinical testing. Allele origin: germline.
Comment: This variant is classified as benign based on ACMG/AMP sequence variant interpretation guidelines (Richards et al. 2015 PMID: 25741868, with internal and published modifications).

Genome-Nilou Lab
Classification: Benign for Galactosylceramide beta-galactosidase deficiency. Last evaluated: 2021-07-01. Review status: criteria provided, single submitter. Criteria: ACMG Guidelines, 2015. Collection method: clinical testing. Allele origin: germline. Affected: no.

Illumina Laboratory Services, Illumina
Classification: Benign for Galactosylceramide beta-galactosidase deficiency. Last evaluated: 2018-01-13. Review status: criteria provided, single submitter. Criteria: ICSL Variant Classification Criteria 13 December 2019. Collection method: clinical testing. Allele origin: germline.
Comment: This variant was observed in the ICSL laboratory as part of a predisposition screen in an ostensibly healthy population. It had not been previously curated by ICSL or reported in the Human Gene Mutation Database (HGMD: prior to June 1st, 2018), and was therefore a candidate for classification through an automated scoring system. Utilizing variant allele frequency, disease prevalence and penetrance estimates, and inheritance mode, an automated score was calculated to assess if this variant is too frequent to cause the disease. Based on the score and internal cut-off values, a variant classified as benign is not then subjected to further curation. The score for this variant resulted in a classification of benign for this disease.

GeneDx
Classification: Benign. Last evaluated: 2015-03-03. Review status: criteria provided, single submitter. Criteria: GeneDx Variant Classification Process June 2021. Collection method: clinical testing. Allele origin: germline. Affected: yes.

Eurofins Ntd Llc (ga)
Classification: Benign. Last evaluated: 2013-01-03. Review status: criteria provided, single submitter. Criteria: EGL Classification Definitions 2015. Collection method: clinical testing. Allele origin: germline. Observed: 28 variant alleles, 26 heterozygotes, 2 homozygotes.

Breakthrough Genomics
Classification: Benign. Review status: criteria provided, single submitter. Criteria: ACMG Guidelines, 2015. Collection method: not provided. Allele origin: germline. Inheritance: Autosomal recessive inheritance. Affected: yes.

Natera, Inc.
Classification: Benign for Galactosylceramide beta-galactosidase deficiency. Last evaluated: 2019-11-21. Review status: no assertion criteria provided. Collection method: clinical testing. Allele origin: germline. Not counted in ClinVar's aggregate classification.

Mayo Clinic Laboratories, Mayo Clinic
Classification: Benign. Last evaluated: 2015-10-26. Review status: no assertion criteria provided. Collection method: clinical testing. Allele origin: unknown. Not counted in ClinVar's aggregate classification.

Clinical Genetics DNA and cytogenetics Diagnostics Lab, Erasmus MC, Erasmus Medical Center
Classification: Benign. Review status: no assertion criteria provided. Collection method: clinical testing. Allele origin: germline. Affected: yes. Study: VKGL Data-share Consensus. Not counted in ClinVar's aggregate classification.

Clinical Genetics, Academic Medical Center
Classification: Benign. Review status: no assertion criteria provided. Collection method: clinical testing. Allele origin: germline. Affected: yes. Study: VKGL Data-share Consensus. Not counted in ClinVar's aggregate classification.

Diagnostic Laboratory, Department of Genetics, University Medical Center Groningen
Classification: Benign for Galactosylceramide beta-galactosidase deficiency. Review status: no assertion criteria provided. Collection method: clinical testing. Allele origin: germline. Affected: yes. Study: VKGL Data-share Consensus. Not counted in ClinVar's aggregate classification.

NM_000153.4(GALC):c.61G>C (p.Ala21Pro)

Gene: GALC (galactosylceramidase; minus strand). Cytogenetic location: 14q31.3.
Variant type: single nucleotide variant.
Coding change: c.61G>C on transcript NM_000153.4 (MANE Select); coding-DNA position 61, G replaced by C.
Protein change: p.Ala21Pro; replaces alanine 21 with proline.
Molecular consequence: missense variant. On other transcripts: intron variant (1).
Genome position (GRCh38, 1-based): chr14:87,993,104, C>G on the plus strand (G>C on the coding strand, the complement: GALC is on the minus strand). VCF-style: chr14-87993104-C-G. GRCh37 (hg19) VCF-style: chr14-88459448-C-G.
Other names: c.61G>C, p.Ala21Pro (NM_001201401.2); c.117+279G>C (NM_001201402.2); short protein forms A21P.
Identifiers: ClinVar variation 92508 (VCV000092508.38), dbSNP rs111887056, ClinGen allele CA145819.